The following is an entry in ClinVar:

ClinVar aggregate classification (germline): Uncertain significance. Review status: criteria provided, multiple submitters, no conflicts (2 of 4 stars). 4 submissions from 4 submitters: Uncertain significance (4). Last evaluated 2024-09-06.

Conditions:
Hereditary cancer-predisposing syndrome. Also called: Tumor predisposition; Neoplastic Syndromes, Hereditary; Hereditary Cancer Syndrome; Hereditary neoplastic syndrome. Identifiers: Orphanet 140162, MedGen C0027672, MeSH D009386, MONDO:0015356.
Hereditary breast ovarian cancer syndrome. Also called: Hereditary breast and ovarian cancer; Hereditary breast and ovarian cancer syndrome (HBOC); Breast and ovarian cancer; Hereditary breast and/or ovarian cancer syndrome; BRCA1- and BRCA2-Associated Hereditary Breast and Ovarian Cancer; Hereditary breast and ovarian cancer syndrome. Identifiers: Orphanet 145, MedGen C0677776, MeSH D061325, MONDO:0003582. Disease mechanism: loss of function.

Allele frequency attached by ClinVar (database versions not stated): gnomAD exomes below 0.00001.
gnomAD v4.1: 1 of 1,562,006 alleles (0.000064%); highest among the groups gnomAD compares: Non-Finnish European, 0.000088%; no homozygotes.

Submissions (4):

Ambry Genetics
Classification: Uncertain significance for Hereditary cancer-predisposing syndrome. Last evaluated: 2024-09-06. Review status: criteria provided, single submitter. Criteria: Ambry Variant Classification Scheme 2023. Collection method: clinical testing. Allele origin: germline.
Comment: The p.P2311T variant (also known as c.6931C>A), located in coding exon 11 of the BRCA2 gene, results from a C to A substitution at nucleotide position 6931. The proline at codon 2311 is replaced by threonine, an amino acid with highly similar properties. This variant was not reported in population based cohorts in the following databases: Database of Single Nucleotide Polymorphisms (dbSNP), NHLBI Exome Sequencing Project (ESP), and 1000 Genomes Project. In the ESP, this variant was not observed in 6488 samples (12976 alleles) with coverage at this position. To date, this alteration has been detected with an allele frequency of approximately 0.0004% (greater than 225000 alleles tested) in our clinical cohort. This amino acid position is highly conserved in available vertebrate species. In addition, the in silico prediction for this alteration is inconclusive. Since supporting evidence is limited at this time, the clinical significance of this alteration remains unclear.

Labcorp Genetics (formerly Invitae), Labcorp
Classification: Uncertain significance for Hereditary breast ovarian cancer syndrome. Last evaluated: 2024-02-15. Review status: criteria provided, single submitter. Criteria: Invitae Variant Classification Sherloc (09022015). Collection method: clinical testing. Allele origin: germline.
Comment: This sequence change replaces proline, which is neutral and non-polar, with threonine, which is neutral and polar, at codon 2311 of the BRCA2 protein (p.Pro2311Thr). This variant is not present in population databases (gnomAD no frequency). This variant has not been reported in the literature in individuals affected with BRCA2-related conditions. ClinVar contains an entry for this variant (Variation ID: 182235). Advanced modeling of protein sequence and biophysical properties (such as structural, functional, and spatial information, amino acid conservation, physicochemical variation, residue mobility, and thermodynamic stability) performed at Invitae indicates that this missense variant is not expected to disrupt BRCA2 protein function with a negative predictive value of 95%. In summary, the available evidence is currently insufficient to determine the role of this variant in disease. Therefore, it has been classified as a Variant of Uncertain Significance.

CeGaT Center for Human Genetics Tuebingen
Classification: Uncertain significance. Last evaluated: 2021-04-01. Review status: criteria provided, single submitter. Criteria: CeGaT Center For Human Genetics Tuebingen Variant Classification Criteria Version 2. Collection method: clinical testing. Allele origin: germline. Affected: yes. Observed: 1 variant allele.

GeneDx
Classification: Uncertain significance. Last evaluated: 2016-10-21. Review status: criteria provided, single submitter. Criteria: GeneDx Variant Classification (06012015). Collection method: clinical testing. Allele origin: germline. Affected: yes.
Comment: This variant is denoted BRCA2 c.6931C>A at the cDNA level, p.Pro2311Thr (P2311T) at the protein level, and results in the change of a Proline to a Threonine (CCA>ACA). Using alternate nomenclature, this variant would be defined as BRCA2 7159C>A. This variant has not, to our knowledge, been published in the literature as pathogenic or benign. BRCA2 Pro2311Thr was not observed in approximately 6,500 individuals of European and African American ancestry in the NHLBI Exome Sequencing Project, suggesting it is not a common benign variant in these populations. Since Proline and Threonine differ in polarity, charge, size or other properties, this is considered a non-conservative amino acid substitution. BRCA2 Pro2311Thr occurs at a position that is conserved across species and is not located in a known functional domain. In silico analyses are inconsistent regarding the effect this variant may have on protein structure and function. Based on currently available evidence, it is unclear whether BRCA2 Pro2311Thr is a pathogenic or benign variant. We consider it to be a variant of uncertain significance.

NM_000059.4(BRCA2):c.6931C>A (p.Pro2311Thr)

Gene: BRCA2 (BRCA2 DNA repair associated; plus strand). Cytogenetic location: 13q13.1.
Variant type: single nucleotide variant.
Coding change: c.6931C>A on transcript NM_000059.4 (MANE Select); coding-DNA position 6931, C replaced by A.
Protein change: p.Pro2311Thr; replaces proline 2311 with threonine.
Molecular consequence: missense variant.
Genome position (GRCh38, 1-based): chr13:32,344,647, C>A. VCF-style: chr13-32344647-C-A. GRCh37 (hg19) VCF-style: chr13-32918784-C-A.
Other names: p.P2311T:CCA>ACA; short protein forms P2311T.
Identifiers: ClinVar variation 182235 (VCV000182235.48), dbSNP rs730881551, ClinGen allele CA024567.